The following is an entry in ClinVar:

ClinVar aggregate classification (germline): Uncertain significance (1 of 4 stars; one submission).

Allele frequency attached by ClinVar (database versions not stated): gnomAD exomes below 0.00001; TOPMed below 0.00001.
gnomAD v4.1: 4 of 1,614,226 alleles (0.00025%); highest among the groups gnomAD compares: Admixed American, 0.0033%; no homozygotes.

Submission:

GeneDx
Classification: Uncertain significance. Last evaluated: 2019-09-10. Review status: criteria provided, single submitter. Criteria: GeneDx Variant Classification Process June 2021. Collection method: clinical testing. Allele origin: germline. Affected: yes.
Comment: Not observed at a significant frequency in large population cohorts (Lek et al., 2016); In silico analysis, which includes protein predictors and evolutionary conservation, supports a deleterious effect; Has not been previously published as pathogenic or benign to our knowledge

NM_001083961.2(WDR62):c.952C>T (p.Arg318Cys)

Gene: WDR62 (WD repeat domain 62; plus strand). Cytogenetic location: 19q13.12.
Variant type: single nucleotide variant.
Coding change: c.952C>T on transcript NM_001083961.2 (MANE Select); coding-DNA position 952, C replaced by T.
Protein change: p.Arg318Cys; replaces arginine 318 with cysteine.
Molecular consequence: missense variant.
Genome position (GRCh38, 1-based): chr19:36,071,625, C>T. VCF-style: chr19-36071625-C-T. GRCh37 (hg19) VCF-style: chr19-36562527-C-T.
Other names: c.952C>T, p.Arg318Cys (NM_173636.5); short protein forms R318C.
Identifiers: ClinVar variation 429939 (VCV000429939.4), dbSNP rs1046543015, ClinGen allele CA307850449.